The following is an entry in ClinVar:

NM_181078.3(IL21R):c.121A>G (p.Asn41Asp)

Gene: IL21R (interleukin 21 receptor; plus strand). Cytogenetic location: 16p12.1.
Variant type: single nucleotide variant.
Coding change: c.121A>G on transcript NM_181078.3 (MANE Select); coding-DNA position 121, A replaced by G.
Protein change: p.Asn41Asp; replaces asparagine 41 with aspartic acid.
Molecular consequence: missense variant.
Genome position (GRCh38, 1-based): chr16:27,434,418, A>G. VCF-style: chr16-27434418-A-G. GRCh37 (hg19) VCF-style: chr16-27445739-A-G.
Other names: c.121A>G, p.Asn41Asp (NM_021798.4); c.187A>G, p.Asn63Asp (NM_181079.5); short protein forms N41D, N63D.
Identifiers: ClinVar variation 2106971 (VCV002106971.5), dbSNP rs2543356133, ClinGen allele CA395298614.

ClinVar aggregate classification (germline): Uncertain significance (1 of 4 stars; one submission).

Conditions:
Cryptosporidiosis-chronic cholangitis-liver disease syndrome. Also called: Immunodeficiency type 56; IL21R immunodeficiency. Identifiers: Orphanet 357329, MedGen C3554687, MONDO:0014082, OMIM 615207.

Submissions (2):

Labcorp Genetics (formerly Invitae), Labcorp
Classification: Uncertain significance for Cryptosporidiosis-chronic cholangitis-liver disease syndrome. Last evaluated: 2024-02-24. Review status: criteria provided, single submitter. Criteria: Invitae Variant Classification Sherloc (09022015). Collection method: clinical testing. Allele origin: germline.
Comment: This sequence change replaces asparagine, which is neutral and polar, with aspartic acid, which is acidic and polar, at codon 41 of the IL21R protein (p.Asn41Asp). This variant is not present in population databases (gnomAD no frequency). This variant has not been reported in the literature in individuals affected with IL21R-related conditions. ClinVar contains an entry for this variant (Variation ID: 2106971). Advanced modeling of protein sequence and biophysical properties (such as structural, functional, and spatial information, amino acid conservation, physicochemical variation, residue mobility, and thermodynamic stability) performed at Invitae indicates that this missense variant is not expected to disrupt IL21R protein function with a negative predictive value of 80%. In summary, the available evidence is currently insufficient to determine the role of this variant in disease. Therefore, it has been classified as a Variant of Uncertain Significance.

Dr. Peter K. Rogan Lab, Western University
No classification provided (evidence only). Condition: Ovarian serous cystadenocarcinoma. Review status: no classification provided. Collection method: in vitro. Allele origin: not applicable. Functional consequence: retained intron. Not counted in ClinVar's aggregate classification.